The following is an entry in ClinVar:

ClinVar aggregate classification (germline): Uncertain significance (1 of 4 stars; one submission).

Allele frequency attached by ClinVar (database versions not stated): TOPMed below 0.00001; gnomAD 0.00001.

Submission:

Labcorp Genetics (formerly Invitae), Labcorp
Classification: Uncertain significance. Last evaluated: 2024-06-30. Review status: criteria provided, single submitter. Criteria: Invitae Variant Classification Sherloc (09022015). Collection method: clinical testing. Allele origin: germline.
Comment: This sequence change replaces valine, which is neutral and non-polar, with leucine, which is neutral and non-polar, at codon 442 of the POLE2 protein (p.Val442Leu). This variant is not present in population databases (gnomAD no frequency). This variant has not been reported in the literature in individuals affected with POLE2-related conditions. ClinVar contains an entry for this variant (Variation ID: 1964834). An algorithm developed to predict the effect of missense changes on protein structure and function (PolyPhen-2) suggests that this variant is likely to be tolerated. In summary, the available evidence is currently insufficient to determine the role of this variant in disease. Therefore, it has been classified as a Variant of Uncertain Significance.

NM_002692.4(POLE2):c.1324G>C (p.Val442Leu)

Gene: POLE2 (DNA polymerase epsilon 2, accessory subunit; minus strand). Cytogenetic location: 14q21.3.
Variant type: single nucleotide variant.
Coding change: c.1324G>C on transcript NM_002692.4 (MANE Select); coding-DNA position 1324, G replaced by C.
Protein change: p.Val442Leu; replaces valine 442 with leucine.
Molecular consequence: missense variant.
Genome position (GRCh38, 1-based): chr14:49,650,438, C>G on the plus strand (G>C on the coding strand, the complement: POLE2 is on the minus strand). VCF-style: chr14-49650438-C-G. GRCh37 (hg19) VCF-style: chr14-50117156-C-G.
Other names: c.1246G>C, p.Val416Leu (NM_001197330.2); c.1324G>C, p.Val442Leu (NM_001197331.3); c.1321G>C, p.Val441Leu (NM_001348384.2); c.1093G>C, p.Val365Leu (NM_001348385.2); short protein forms V441L, V442L, V365L, V416L.
Identifiers: ClinVar variation 1964834 (VCV001964834.5), dbSNP rs919828260, ClinGen allele CA260684890.
Genomic context (GRCh38, chr14:49,650,438, plus strand): 5'-ACACTGGGCAGACATAAAGAGGTAGGGGAGTCAGATGTCCTTGGGATAAGATAGTCTTTA[C>G]AAACTACAAAAGAGCACAAAACAAAGCAAACTTCAGTTCATTTGCAAAAGTGAAAATAGC-3'
Protein context (NP_002683.2, residues 432-452): SSNLAIPNHF[Val442Leu]KTILSQGHLT